The following is an entry in ClinVar:

ClinVar aggregate classification (germline): Uncertain significance (1 of 4 stars; one submission).

Conditions:
Progressive myoclonic epilepsy type 3. Also called: EPILEPSY, PROGRESSIVE MYOCLONIC, 3, WITH OR WITHOUT INTRACELLULAR INCLUSIONS; CEROID LIPOFUSCINOSIS, NEURONAL, 14; KCTD7-Related Progressive Myoclonic Epilepsy; EPILEPSY, PROGRESSIVE MYOCLONIC, 3, WITHOUT INTRACELLULAR INCLUSIONS. Identifiers: Orphanet 263516, MedGen C2673257, MONDO:0012721, OMIM 611726.

Submission:

Labcorp Genetics (formerly Invitae), Labcorp
Classification: Uncertain significance for Progressive myoclonic epilepsy type 3. Last evaluated: 2017-04-16. Review status: criteria provided, single submitter. Criteria: Invitae Variant Classification Sherloc (09022015). Collection method: clinical testing. Allele origin: germline.
Comment: Algorithms developed to predict the effect of missense changes on protein structure and function do not agree on the potential impact of this missense change (SIFT: "Deleterious"; PolyPhen-2: "Benign"; Align-GVGD: "Class C0"). In summary, this variant is a novel missense change with uncertain impact on protein function. It has been classified as a Variant of Uncertain Significance. This variant is not present in population databases (ExAC no frequency) and has not been reported in the literature in individuals with a KCTD7-related disease. This sequence change replaces isoleucine with leucine at codon 264 of the KCTD7 protein (p.Ile264Leu). The isoleucine residue is highly conserved and there is a small physicochemical difference between isoleucine and leucine.

NM_153033.5(KCTD7):c.790A>C (p.Ile264Leu)

Gene: KCTD7 (potassium channel tetramerization domain containing 7; plus strand). Cytogenetic location: 7q11.21.
Variant type: single nucleotide variant.
Coding change: c.790A>C on transcript NM_153033.5 (MANE Select); coding-DNA position 790, A replaced by C.
Protein change: p.Ile264Leu; replaces isoleucine 264 with leucine.
Molecular consequence: missense variant.
Genome position (GRCh38, 1-based): chr7:66,639,152, A>C. VCF-style: chr7-66639152-A-C. GRCh37 (hg19) VCF-style: chr7-66104139-A-C.
Other names: c.790A>C, p.Ile264Leu (NM_001167961.2); short protein forms I264L.
Identifiers: ClinVar variation 469109 (VCV000469109.9), dbSNP rs763830869, ClinGen allele CA367697595.